The following is an entry in ClinVar:

ClinVar aggregate classification (germline): Likely pathogenic. Review status: reviewed by expert panel (3 of 4 stars). 5 submissions from 5 submitters: Likely pathogenic (1). 4 of the submissions do not count toward it. Last evaluated 2025-11-03.

Conditions:
Mucopolysaccharidosis type 1. Also called: IDUA deficiency; MPS I; Mucopolysaccharidosis Type I. Identifiers: Orphanet 579, MedGen C0023786, MONDO:0001586.
Mucopolysaccharidosis, MPS-I-H/S. Also called: Mucopolysaccharidosis type IH/S. Identifiers: Orphanet 93476, MedGen C0086431, MONDO:0011759, OMIM 607015.
Mucopolysaccharidosis, MPS-I-S. Also called: MPS V; MUCOPOLYSACCHARIDOSIS TYPE V; MUCOPOLYSACCHARIDOSIS TYPE IS; Scheie Syndrome. Identifiers: Orphanet 93474, MedGen C0026708, MONDO:0011760, OMIM 607016.
Hurler syndrome. Also called: MUCOPOLYSACCHARIDOSIS TYPE IH; Severe MPS I (Hurler Syndrome); Gargoylism, Hurler Syndrome. Identifiers: Orphanet 93473, MedGen C0086795, MONDO:0011758, OMIM 607014.

gnomAD v4.1: 3 of 1,611,776 alleles (0.00019%); highest among the groups gnomAD compares: Non-Finnish European, 0.00025%; no homozygotes.

Submissions (5):

ClinGen Lysosomal Storage Disorder Variant Curation Expert Panel
Classification: Likely pathogenic for Mucopolysaccharidosis type 1. Last evaluated: 2025-11-03. Review status: reviewed by expert panel. Criteria: ClinGen LSD ACMG Specifications IDUA V1.1.0. Collection method: curation. Allele origin: germline. Inheritance: Autosomal recessive inheritance.
Comment: The NM_000203.5:c.1898C>A (p.Ser633Ter) variant in IDUA is a nonsense variant predicted to cause a premature stop codon in the last 50 nucleotides of the the last exon of the gene and therefore to escape nonsense mediated decay. Less than 10% of the protein is predicted to be removed. (PVS1_Moderate). This variant has been detected in at least two individuals with MPS1. Of those individuals, one was compound heterozygous for the variant and c.208C>T p.(Gln70Ter), which has been classified as pathogenic by the ClinGen Lysosomal Diseases VCEP. This individual has clinical features consistent with a severe phenotype, and biochemically confirmed iduronidase deficiency (0.13umol/g hr; reference 10-50) (PMID 28752568; phase unconfirmed; 0.5 points; PP4_moderate). The other individual had a clinical diagnosis of MPS1, diagnosed by newborn screening and was compound heterozygous for this variant and a variant of uncertain significance c.298A>G p.(Arg100Gly) (PMID 35787971; 0 points) (PM3_supporting). The highest population minor allele frequency in gnomAD v4.1.0 is 0.0000025 (3/117992 alleles) in the Non-Finnish European population, which is lower than the ClinGen Lysosomal Diseases VCEP’s threshold for PM2_Supporting (<0.00025), meeting this criterion (PM2_Supporting). There is a ClinVar entry for this variant (Variation ID: 1068474). In summary, this variant meets the criteria to be classified as likely pathogenic for MPS I based on the IDUA-specific ACMG/AMP criteria applied, as specified by the ClinGen Lysosomal Diseases Variant Curation Expert Panel (Specifications Version 1.1.0): PVS1_moderate, PM3_supporting, PM2_supporting, PP4_moderate. (Classification approved by the ClinGen Lysosomal Diseases Variant Curation Expert Panel on November 3, 2025)

Natera, Inc.
Classification: Pathogenic for Mucopolysaccharidosis type I. Last evaluated: 2025-04-02. Review status: criteria provided, single submitter. Criteria: Natera Variant Classification Schema (03/2026). Collection method: clinical testing. Allele origin: germline. Not counted in ClinVar's aggregate classification.
Comment: The c.1898C>A variant in IDUA is a nonsense variant predicted to introduce a stop codon at amino acid 633. This variant is expected to result in nonsense mediated decay, truncation, or a dysfunctional protein product. This variant is rare in the general population with a frequency below the threshold expected for the associated phenotype(s). This variant has been observed in one or more individuals affected with the associated recessive disease, as either homozygous or compound heterozygous with a second variant (PMID: 35141277). Given the available evidence, this variant is classified as Pathogenic.

Fulgent Genetics
Classification: Likely pathogenic for Hurler syndrome; Mucopolysaccharidosis, MPS-I-H/S; Mucopolysaccharidosis, MPS-I-S. Last evaluated: 2024-03-18. Review status: criteria provided, single submitter. Criteria: ACMG Guidelines, 2015. Collection method: clinical testing. Allele origin: germline. Not counted in ClinVar's aggregate classification.

Labcorp Genetics (formerly Invitae), Labcorp
Classification: Pathogenic for Mucopolysaccharidosis type 1. Last evaluated: 2023-08-16. Review status: criteria provided, single submitter. Criteria: Invitae Variant Classification Sherloc (09022015). Collection method: clinical testing. Allele origin: germline. Not counted in ClinVar's aggregate classification.
Comment: For these reasons, this variant has been classified as Pathogenic. This variant disrupts a region of the IDUA protein in which other variant(s) (p.Ser633Leu) have been determined to be pathogenic (PMID: 11735025, 16438163, 21480867, 26825088, 27146977). This suggests that this is a clinically significant region of the protein, and that variants that disrupt it are likely to be disease-causing. ClinVar contains an entry for this variant (Variation ID: 1068474). This premature translational stop signal has been observed in individual(s) with mucopolysaccharidosis type I (PMID: 28752568). This variant is not present in population databases (gnomAD no frequency). This sequence change creates a premature translational stop signal (p.Ser633*) in the IDUA gene. While this is not anticipated to result in nonsense mediated decay, it is expected to disrupt the last 21 amino acid(s) of the IDUA protein.

Women's Health and Genetics/Laboratory Corporation of America, LabCorp
Classification: Pathogenic for Mucopolysaccharidosis type 1. Last evaluated: 2022-04-27. Review status: criteria provided, single submitter. Criteria: LabCorp Variant Classification Summary - May 2015. Collection method: clinical testing. Allele origin: germline. Not counted in ClinVar's aggregate classification.
Comment: Variant summary: IDUA c.1898C>A (p.Ser633X) results in a premature termination codon, predicted to cause a truncation of the encoded protein or absence of the protein due to nonsense mediated decay, which are commonly known mechanisms for disease. Truncations downstream of this position have been classified as pathogenic by our laboratory. The variant was absent in 249054 control chromosomes. c.1898C>A has been reported in the literature in at least one individual affected with Mucopolysaccharidosis Type 1. One clinical diagnostic laboratory has submitted clinical-significance assessments for this variant to ClinVar after 2014 without evidence for independent evaluation and classified the variant as pathogenic. Based on the evidence outlined above, the variant was classified as pathogenic.

Literature cited by the submitters: PubMed 35141277 (cited by Natera, Inc.); PubMed 11735025 (cited by Labcorp Genetics (formerly Invitae), Labcorp); PubMed 16438163 (cited by Labcorp Genetics (formerly Invitae), Labcorp); PubMed 21480867 (cited by Labcorp Genetics (formerly Invitae), Labcorp); PubMed 26825088 (cited by Labcorp Genetics (formerly Invitae), Labcorp); PubMed 27146977 (cited by Labcorp Genetics (formerly Invitae), Labcorp); PubMed 28752568 (cited by Labcorp Genetics (formerly Invitae), Labcorp and Women's Health and Genetics/Laboratory Corporation of America, LabCorp).

NM_000203.5(IDUA):c.1898C>A (p.Ser633Ter)

Gene: IDUA (alpha-L-iduronidase; plus strand). Cytogenetic location: 4p16.3.
Variant type: single nucleotide variant.
Coding change: c.1898C>A on transcript NM_000203.5 (MANE Select); coding-DNA position 1898, C replaced by A.
Protein change: p.Ser633Ter; replaces serine 633 with a stop codon.
Molecular consequence: nonsense. On other transcripts: non-coding transcript variant (1).
Genome position (GRCh38, 1-based): chr4:1,004,329, C>A. VCF-style: chr4-1004329-C-A. GRCh37 (hg19) VCF-style: chr4-998117-C-A.
Other names: NM_000203.5(IDUA):c.1898C>A; p.Ser633Ter; c.1502C>A, p.Ser501Ter (NM_001363576.1); c.1898C>A (NM_000203.4); short protein forms S501*, S633*.
Identifiers: ClinVar variation 1068474 (VCV001068474.15), dbSNP rs886043347, ClinGen allele CA355966009.
Genomic context (GRCh38, chr4:1,004,329, plus strand): 5'-CTGTCTCTGGCTCCTACCGAGTTCGAGCCCTGGACTACTGGGCCCGACCAGGCCCCTTCT[C>A]GGACCCTGTGCCGTACCTGGAGGTCCCTGTGCCAAGAGGGCCCCCATCCCCGGGCAATCC-3'